The following is an entry in ClinVar:

ClinVar aggregate classification (germline): Uncertain significance (1 of 4 stars; one submission).

Conditions:
Autosomal dominant hypocalcemia 1 (HYPOC1). Also called: HYPOCALCEMIA, FAMILIAL. Identifiers: MedGen C3715128, MONDO:0011013, OMIM 601198.
Familial hypocalciuric hypercalcemia (FHH). Also called: Familial benign hypercalcemia. Identifiers: Orphanet 405, MedGen C1809471, MONDO:0018458.

Submission:

Labcorp Genetics (formerly Invitae), Labcorp
Classification: Uncertain significance for Familial hypocalciuric hypercalcemia; Autosomal dominant hypocalcemia 1. Last evaluated: 2023-05-01. Review status: criteria provided, single submitter. Criteria: Invitae Variant Classification Sherloc (09022015). Collection method: clinical testing. Allele origin: germline.
Comment: This sequence change replaces glycine, which is neutral and non-polar, with serine, which is neutral and polar, at codon 847 of the CASR protein (p.Gly847Ser). This variant is not present in population databases (gnomAD no frequency). This variant has not been reported in the literature in individuals affected with CASR-related conditions. An algorithm developed to predict the effect of missense changes on protein structure and function (PolyPhen-2) suggests that this variant is likely to be disruptive. In summary, the available evidence is currently insufficient to determine the role of this variant in disease. Therefore, it has been classified as a Variant of Uncertain Significance.

NM_000388.4(CASR):c.2539G>A (p.Gly847Ser)

Gene: CASR (calcium sensing receptor; plus strand). Cytogenetic location: 3q21.1.
Variant type: single nucleotide variant.
Coding change: c.2539G>A on transcript NM_000388.4 (MANE Select); coding-DNA position 2539, G replaced by A.
Protein change: p.Gly847Ser; replaces glycine 847 with serine.
Molecular consequence: missense variant.
Genome position (GRCh38, 1-based): chr3:122,284,493, G>A. VCF-style: chr3-122284493-G-A. GRCh37 (hg19) VCF-style: chr3-122003340-G-A.
Other names: c.2569G>A, p.Gly857Ser (NM_001178065.2); short protein forms G857S, G847S.
Identifiers: ClinVar variation 2931062 (VCV002931062.3), dbSNP rs2473280563, ClinGen allele CA354160221.